The following is an entry in ClinVar:

ClinVar aggregate classification (germline): Pathogenic. Review status: criteria provided, multiple submitters, no conflicts (2 of 4 stars). 3 submissions from 3 submitters: Pathogenic (3). Last evaluated 2024-04-18.

Conditions:
Galactosylceramide beta-galactosidase deficiency. Also called: Krabbe Disease; Leukodystrophy, Globoid Cell; GALACTOCEREBROSIDASE DEFICIENCY; GALC DEFICIENCY; GLOBOID CELL LEUKOENCEPHALOPATHY. Identifiers: Orphanet 487, MedGen C0023521, MONDO:0009499, OMIM 245200.

Submissions (3):

Natera, Inc.
Classification: Pathogenic for Galactosylceramide beta-galactosidase deficiency. Last evaluated: 2024-04-18. Review status: criteria provided, single submitter. Criteria: Natera Variant Classification Schema (03/2026). Collection method: clinical testing. Allele origin: germline.
Comment: The c.176delG variant in GALC is a frameshift variant predicted to shift the reading frame beginning at codon 59 and leads to a stop codon 13 codons downstream. This variant is expected to result in nonsense mediated decay, truncation, or a dysfunctional protein product. This variant is rare in the general population with a frequency below the threshold expected for the associated phenotype(s). This variant has been observed in one or more individuals affected with the associated recessive disease, as either homozygous or compound heterozygous with a second variant (PMID: 22704718). Given the available evidence, this variant is classified as Pathogenic.

Revvity Omics, Revvity
Classification: Pathogenic. Last evaluated: 2020-08-05. Review status: criteria provided, single submitter. Criteria: ACMG Guidelines, 2015. Collection method: clinical testing. Allele origin: germline.

Labcorp Genetics (formerly Invitae), Labcorp
Classification: Pathogenic for Galactosylceramide beta-galactosidase deficiency. Last evaluated: 2020-07-07. Review status: criteria provided, single submitter. Criteria: Invitae Variant Classification Sherloc (09022015). Collection method: clinical testing. Allele origin: germline.
Comment: For these reasons, this variant has been classified as Pathogenic. Loss-of-function variants in GALC are known to be pathogenic (PMID: 7437911, 9272171, 16607461). This variant has been observed in individual(s) with Krabbe disease (PMID: 22704718). In at least one individual the data is consistent with the variant being in trans (on the opposite chromosome) from a pathogenic variant. This variant is also known as c.175delG in the literature. The frequency data for this variant in the population databases is considered unreliable, as metrics indicate insufficient coverage at this position in the ExAC database. This sequence change creates a premature translational stop signal (p.Gly59Alafs*13) in the GALC gene. It is expected to result in an absent or disrupted protein product.

Literature cited by the submitters: PubMed 22704718 (cited by Natera, Inc. and Labcorp Genetics (formerly Invitae), Labcorp); PubMed 7437911 (cited by Labcorp Genetics (formerly Invitae), Labcorp); PubMed 9272171 (cited by Labcorp Genetics (formerly Invitae), Labcorp); PubMed 16607461 (cited by Labcorp Genetics (formerly Invitae), Labcorp).

NM_000153.4(GALC):c.176del (p.Gly59fs)

Genes: GALC (galactosylceramidase; minus strand), LOC130056217 (ATAC-STARR-seq lymphoblastoid silent region 5988; plus strand). Cytogenetic location: 14q31.3.
Variant type: Deletion.
Coding change: c.176del on transcript NM_000153.4 (MANE Select); coding-DNA position 176, one base deleted (G; older notation c.176delG).
Protein change: p.Gly59fs; shifts the reading frame from glycine 59.
Molecular consequence: frameshift variant. On other transcripts: intron variant (1).
Genome position (GRCh38, 1-based): chr14:87,992,989, C deleted on the plus strand (G on the coding strand, the reverse complement: GALC is on the minus strand); the first of 2 consecutive C bases (chr14:87,992,989-87,992,990); deleting either gives the same sequence. VCF-style (leftmost placement, unchanged base first): chr14-87992988-GC-G. GRCh37 (hg19) VCF-style: chr14-88459332-GC-G.
Other names: c.176del, p.Gly59fs (NM_001201401.2); c.117+394del (NM_001201402.2); c.176delG (NM_000153.3); short protein forms G59fs.
Identifiers: ClinVar variation 1070767 (VCV001070767.13), dbSNP rs1567019327, ClinGen allele CA487517533.